The following is an entry in ClinVar:

ClinVar aggregate classification (germline): Uncertain significance (1 of 4 stars; one submission).

Conditions:
Parathyroid carcinoma (PRTC). Also called: CDC73-Related Parathyroid Carcinoma; Parathyroid gland carcinoma. Identifiers: Orphanet 143, MedGen C0687150, MONDO:0012004, OMIM 608266, HP:0006780.

Submission:

Labcorp Genetics (formerly Invitae), Labcorp
Classification: Uncertain significance for Parathyroid carcinoma. Last evaluated: 2020-10-07. Review status: criteria provided, single submitter. Criteria: Invitae Variant Classification Sherloc (09022015). Collection method: clinical testing. Allele origin: germline.
Comment: This variant has not been reported in the literature in individuals with CDC73-related conditions. In summary, the available evidence is currently insufficient to determine the role of this variant in disease. Therefore, it has been classified as a Variant of Uncertain Significance. Algorithms developed to predict the effect of missense changes on protein structure and function (SIFT, PolyPhen-2, Align-GVGD) all suggest that this variant is likely to be tolerated, but these predictions have not been confirmed by published functional studies and their clinical significance is uncertain. This variant is not present in population databases (ExAC no frequency). This sequence change replaces glutamic acid with lysine at codon 144 of the CDC73 protein (p.Glu144Lys). The glutamic acid residue is moderately conserved and there is a small physicochemical difference between glutamic acid and lysine.

NM_024529.5(CDC73):c.430G>A (p.Glu144Lys)

Gene: CDC73 (cell division cycle 73; plus strand). Cytogenetic location: 1q31.2.
Variant type: single nucleotide variant.
Coding change: c.430G>A on transcript NM_024529.5 (MANE Select); coding-DNA position 430, G replaced by A.
Protein change: p.Glu144Lys; replaces glutamic acid 144 with lysine.
Molecular consequence: missense variant.
Genome position (GRCh38, 1-based): chr1:193,138,091, G>A. VCF-style: chr1-193138091-G-A. GRCh37 (hg19) VCF-style: chr1-193107221-G-A.
Other names: short protein forms E144K.
Identifiers: ClinVar variation 1015283 (VCV001015283.9), dbSNP rs1558283535, ClinGen allele CA343961016.